The following is an entry in ClinVar:

NM_001244008.2(KIF1A):c.4513G>A (p.Ala1505Thr)

Gene: KIF1A (kinesin family member 1A; minus strand). Cytogenetic location: 2q37.3.
Variant type: single nucleotide variant.
Coding change: c.4513G>A on transcript NM_001244008.2 (MANE Select); coding-DNA position 4513, G replaced by A.
Protein change: p.Ala1505Thr; replaces alanine 1505 with threonine.
Molecular consequence: missense variant.
Genome position (GRCh38, 1-based): chr2:240,722,608, C>T on the plus strand (G>A on the coding strand, the complement: KIF1A is on the minus strand). VCF-style: chr2-240722608-C-T. GRCh37 (hg19) VCF-style: chr2-241662025-C-T.
Other names: c.4237G>A, p.Ala1413Thr (NM_001320705.2, NM_001379649.1); c.4264G>A, p.Ala1422Thr (NM_001330289.2); c.4312G>A, p.Ala1438Thr (NM_001330290.2, NM_001379648.1); c.4588G>A, p.Ala1530Thr (NM_001379631.1); c.4489G>A, p.Ala1497Thr (NM_001379632.1); c.4486G>A, p.Ala1496Thr (NM_001379633.1, NM_001379645.1); c.4339G>A, p.Ala1447Thr (NM_001379634.1); c.4336G>A, p.Ala1446Thr (NM_001379635.1, NM_001379646.1); and 7 more; short protein forms A1404T, A1505T, A1438T, A1422T, A1413T, A1403T, A1412T, A1421T.
Identifiers: ClinVar variation 571943 (VCV000571943.15), dbSNP rs915433180, ClinGen allele CA68137773.

ClinVar aggregate classification (germline): Conflicting classifications of pathogenicity. Review status: criteria provided, conflicting classifications (1 of 4 stars). 3 submissions from 3 submitters: Uncertain significance (2); Likely benign (1). Last evaluated 2024-10-12.

Conditions:
Neuropathy, hereditary sensory, type 2C. Also called: KIF1A-Related HSAN2 (HSAN2C); Hereditary sensory and autonomic neuropathy type IIC. Identifiers: Orphanet 970, MedGen C3280168, MONDO:0013634, OMIM 614213.
Intellectual disability, autosomal dominant 9 (NESCAVS). Also called: NESCAV SYNDROME; KIF1A-Related Neurodevelopmental Disorder. Identifiers: Orphanet 662367, MedGen C5393830, MONDO:0013656, OMIM 614255.
Hereditary spastic paraplegia 30. Identifiers: Orphanet 101010, MedGen C5235139, MONDO:0012476.
Inborn genetic diseases. Identifiers: MedGen C0950123, MeSH D030342.

Allele frequency attached by ClinVar (database versions not stated): gnomAD 0.00001; TOPMed 0.00001.
gnomAD v4.1: 29 of 1,563,514 alleles (0.0019%); highest among the groups gnomAD compares: South Asian, 0.012%; no homozygotes.

Submissions (3):

Labcorp Genetics (formerly Invitae), Labcorp
Classification: Uncertain significance for Hereditary spastic paraplegia 30; Neuropathy, hereditary sensory, type 2C; Intellectual disability, autosomal dominant 9. Last evaluated: 2024-10-12. Review status: criteria provided, single submitter. Criteria: Invitae Variant Classification Sherloc (09022015). Collection method: clinical testing. Allele origin: germline.
Comment: This sequence change replaces alanine, which is neutral and non-polar, with threonine, which is neutral and polar, at codon 1404 of the KIF1A protein (p.Ala1404Thr). The frequency data for this variant in the population databases is considered unreliable, as metrics indicate poor data quality at this position in the gnomAD database. This variant has not been reported in the literature in individuals affected with KIF1A-related conditions. ClinVar contains an entry for this variant (Variation ID: 571943). Invitae Evidence Modeling of protein sequence and biophysical properties (such as structural, functional, and spatial information, amino acid conservation, physicochemical variation, residue mobility, and thermodynamic stability) indicates that this missense variant is not expected to disrupt KIF1A protein function with a negative predictive value of 95%. In summary, the available evidence is currently insufficient to determine the role of this variant in disease. Therefore, it has been classified as a Variant of Uncertain Significance.

GeneDx
Classification: Uncertain significance. Last evaluated: 2022-12-02. Review status: criteria provided, single submitter. Criteria: GeneDx Variant Classification Process June 2021. Collection method: clinical testing. Allele origin: germline. Affected: yes.
Comment: In silico analysis supports that this missense variant does not alter protein structure/function; Has not been previously published as pathogenic or benign to our knowledge

Ambry Genetics
Classification: Likely benign for Inborn genetic diseases. Last evaluated: 2021-07-19. Review status: criteria provided, single submitter. Criteria: Ambry Variant Classification Scheme 2023. Collection method: clinical testing. Allele origin: germline.